The following is an entry in ClinVar:

NM_000179.3(MSH6):c.2516A>T (p.Asp839Val)

Gene: MSH6 (mutS homolog 6; plus strand). Cytogenetic location: 2p16.3.
Variant type: single nucleotide variant.
Coding change: c.2516A>T on transcript NM_000179.3 (MANE Select); coding-DNA position 2516, A replaced by T.
Protein change: p.Asp839Val; replaces aspartic acid 839 with valine.
Molecular consequence: missense variant. On other transcripts: non-coding transcript variant (5), intron variant (3).
Genome position (GRCh38, 1-based): chr2:47,800,499, A>T. VCF-style: chr2-47800499-A-T. GRCh37 (hg19) VCF-style: chr2-48027638-A-T.
Other names: c.2126A>T, p.Asp709Val (NM_001281492.2); c.1610A>T, p.Asp537Val (NM_001281493.2, NM_001281494.2, NM_001406811.1 and 6 more transcripts); c.2612A>T, p.Asp871Val (NM_001406795.1, NM_001406802.1); c.2516A>T, p.Asp839Val (NM_001406796.1, NM_001406798.1, NM_001406800.1 and 2 more transcripts); c.2219A>T, p.Asp740Val (NM_001406797.1, NM_001406818.1, NM_001406819.1 and 10 more transcripts); c.2522A>T, p.Asp841Val (NM_001406813.1); c.2308+208A>T (NM_001406803.1); c.1606+910A>T (NM_001406817.1); and 4 more; short protein forms D537V, D664V, D740V, D783V, D813V, D871V, D839V, D709V.
Identifiers: ClinVar variation 2765182 (VCV002765182.3), dbSNP rs2530677223, ClinGen allele CA346754341.

ClinVar aggregate classification (germline): Uncertain significance (1 of 4 stars; one submission).

Conditions:
Hereditary nonpolyposis colorectal neoplasms. Identifiers: MedGen C0009405, MeSH D003123.

Submission:

Labcorp Genetics (formerly Invitae), Labcorp
Classification: Uncertain significance for Hereditary nonpolyposis colorectal neoplasms. Last evaluated: 2023-10-04. Review status: criteria provided, single submitter. Criteria: Invitae Variant Classification Sherloc (09022015). Collection method: clinical testing. Allele origin: germline.
Comment: This sequence change replaces aspartic acid, which is acidic and polar, with valine, which is neutral and non-polar, at codon 839 of the MSH6 protein (p.Asp839Val). This variant is not present in population databases (gnomAD no frequency). This variant has not been reported in the literature in individuals affected with MSH6-related conditions. Advanced modeling of protein sequence and biophysical properties (such as structural, functional, and spatial information, amino acid conservation, physicochemical variation, residue mobility, and thermodynamic stability) has been performed at Invitae for this missense variant, however the output from this modeling did not meet the statistical confidence thresholds required to predict the impact of this variant on MSH6 protein function. In summary, the available evidence is currently insufficient to determine the role of this variant in disease. Therefore, it has been classified as a Variant of Uncertain Significance.